The following is an entry in ClinVar:

ClinVar aggregate classification (germline): Uncertain significance (1 of 4 stars; one submission).

Conditions:
Joubert syndrome. Also called: CEREBELLOPARENCHYMAL DISORDER IV; JOUBERT-BOLTSHAUSER SYNDROME; Familial aplasia of the vermis. Identifiers: Orphanet 475, MedGen C5979921, MONDO:0018772.

Allele frequency attached by ClinVar (database versions not stated): gnomAD exomes 0.00001; ExAC 0.00002.
gnomAD v4.1: 8 of 1,603,762 alleles (0.0005%); highest among the groups gnomAD compares: Non-Finnish European, 0.0006%; no homozygotes.

Submission:

Labcorp Genetics (formerly Invitae), Labcorp
Classification: Uncertain significance for Joubert syndrome. Last evaluated: 2022-03-09. Review status: criteria provided, single submitter. Criteria: Invitae Variant Classification Sherloc (09022015). Collection method: clinical testing. Allele origin: germline.
Comment: This sequence change replaces glycine, which is neutral and non-polar, with serine, which is neutral and polar, at codon 436 of the AHI1 protein (p.Gly436Ser). This variant is present in population databases (rs760470566, gnomAD 0.002%). This variant has not been reported in the literature in individuals affected with AHI1-related conditions. Advanced modeling of protein sequence and biophysical properties (such as structural, functional, and spatial information, amino acid conservation, physicochemical variation, residue mobility, and thermodynamic stability) performed at Invitae indicates that this missense variant is not expected to disrupt AHI1 protein function. Algorithms developed to predict the effect of sequence changes on RNA splicing suggest that this variant may create or strengthen a splice site. In summary, the available evidence is currently insufficient to determine the role of this variant in disease. Therefore, it has been classified as a Variant of Uncertain Significance.

NM_001134831.2(AHI1):c.1306G>A (p.Gly436Ser)

Gene: AHI1 (Abelson helper integration site 1; minus strand). Cytogenetic location: 6q23.3.
Variant type: single nucleotide variant.
Coding change: c.1306G>A on transcript NM_001134831.2 (MANE Select); coding-DNA position 1306, G replaced by A.
Protein change: p.Gly436Ser; replaces glycine 436 with serine.
Molecular consequence: missense variant.
Genome position (GRCh38, 1-based): chr6:135,455,772, C>T on the plus strand (G>A on the coding strand, the complement: AHI1 is on the minus strand). VCF-style: chr6-135455772-C-T. GRCh37 (hg19) VCF-style: chr6-135776910-C-T.
Other names: c.1306G>A, p.Gly436Ser (NM_001134830.2, NM_001134832.2, NM_001350503.2 and 2 more transcripts); short protein forms G436S.
Identifiers: ClinVar variation 1364647 (VCV001364647.5), dbSNP rs760470566, ClinGen allele CA4012623.